The following is an entry in ClinVar:

NM_001211.6(BUB1B):c.2074G>A (p.Val692Ile)

Gene: BUB1B (BUB1 mitotic checkpoint serine/threonine kinase B; plus strand). Cytogenetic location: 15q15.1.
Variant type: single nucleotide variant.
Coding change: c.2074G>A on transcript NM_001211.6 (MANE Select); coding-DNA position 2074, G replaced by A.
Protein change: p.Val692Ile; replaces valine 692 with isoleucine.
Molecular consequence: missense variant.
Genome position (GRCh38, 1-based): chr15:40,208,701, G>A. VCF-style: chr15-40208701-G-A. GRCh37 (hg19) VCF-style: chr15-40500902-G-A.
Other names: short protein forms V692I.
Identifiers: ClinVar variation 4216922 (VCV004216922.1).
Genomic context (GRCh38, chr15:40,208,701, plus strand): 5'-ATTATTGAAGACAGTCGTGAAGCCACACACTCCTCTGGCTTCTCTGGTTCTTCTGCCTCG[G>A]TTGCAAGCACCTCCTCCATCAAATGTCTTCAAATTCCTGAGAAACTAGAACTTACTAATG-3'
Protein context (NP_001202.5, residues 682-702): SSGFSGSSAS[Val692Ile]ASTSSIKCLQ

ClinVar aggregate classification (germline): Uncertain significance (1 of 4 stars; one submission).

Conditions:
Inborn genetic diseases. Identifiers: MedGen C0950123, MeSH D030342.

gnomAD v4.1: 1 of 1,613,800 alleles (0.000062%); highest among the groups gnomAD compares: South Asian, 0.0011%; no homozygotes.

Submission:

Ambry Genetics
Classification: Uncertain significance for Inborn genetic diseases. Last evaluated: 2025-08-19. Review status: criteria provided, single submitter. Criteria: Ambry Variant Classification Scheme 2023. Collection method: clinical testing. Allele origin: germline.
Comment: The p.V692I variant (also known as c.2074G>A), located in coding exon 16 of the BUB1B gene, results from a G to A substitution at nucleotide position 2074. The valine at codon 692 is replaced by isoleucine, an amino acid with highly similar properties. This amino acid position is conserved. In addition, this alteration is predicted to be tolerated by in silico analysis. Based on the available evidence, the clinical significance of this variant remains unclear.